The following is an entry in ClinVar:

ClinVar aggregate classification (germline): Uncertain significance (1 of 4 stars; one submission).

Conditions:
Developmental and epileptic encephalopathy 108 (DEE108). Identifiers: MedGen C5774253, MONDO:0859314, OMIM 620115.

Submission:

Neuberg Centre For Genomic Medicine, NCGM
Classification: Uncertain significance for Developmental and epileptic encephalopathy 108. Last evaluated: 2023-06-22. Review status: criteria provided, single submitter. Criteria: ACMG Guidelines, 2015. Collection method: clinical testing. Allele origin: germline. Inheritance: Autosomal dominant inheritance. Affected: yes.
Comment: The observed missense c.1263T>G(p.Phe421Leu) variant in MAST3 gene has not been reported previously as a pathogenic variant nor as a benign variant, to our knowledge. This variant is absent in gnomAD Exomes. The amino acid Phe at position 421 is changed to a Leu changing protein sequence and it might alter its composition and physico-chemical properties. Multiple lines of computational evidence (Polyphen - Possibly Damaging, SIFT - Damaging, and MutationTaster - Disease causing) predict a damaging effect on protein structure and function for this variant. For these reasons, this variant has been classified as Uncertain Significance.

NM_001393504.1(MAST3):c.1350T>G (p.Phe450Leu)

Gene: MAST3 (microtubule associated serine/threonine kinase 3; plus strand). Cytogenetic location: 19p13.11.
Variant type: single nucleotide variant.
Coding change: c.1350T>G on transcript NM_001393504.1 (MANE Select); coding-DNA position 1350, T replaced by G.
Protein change: p.Phe450Leu; replaces phenylalanine 450 with leucine.
Molecular consequence: missense variant.
Genome position (GRCh38, 1-based): chr19:18,130,620, T>G. VCF-style: chr19-18130620-T-G. GRCh37 (hg19) VCF-style: chr19-18241430-T-G.
Other names: c.1374T>G, p.Phe458Leu (NM_001393501.1); c.1353T>G, p.Phe451Leu (NM_001393502.1); c.1350T>G, p.Phe450Leu (NM_001393503.1); c.1347T>G, p.Phe449Leu (NM_001393505.1); c.1302T>G, p.Phe434Leu (NM_001393506.1, NM_001393513.1); c.1329T>G, p.Phe443Leu (NM_001393507.1); c.1284T>G, p.Phe428Leu (NM_001393508.1, NM_001393516.1); c.1281T>G, p.Phe427Leu (NM_001393509.1, NM_001393510.1, NM_001393512.1 and 2 more transcripts); and 4 more; short protein forms F412L, F420L, F421L, F426L, F427L, F428L, F434L, F443L.
Identifiers: ClinVar variation 3731496 (VCV003731496.1).